The following is an entry in ClinVar:

ClinVar aggregate classification (germline): Uncertain significance (1 of 4 stars; one submission).

Submission:

Labcorp Genetics (formerly Invitae), Labcorp
Classification: Uncertain significance. Last evaluated: 2022-05-19. Review status: criteria provided, single submitter. Criteria: Invitae Variant Classification Sherloc (09022015). Collection method: clinical testing. Allele origin: germline.
Comment: In summary, the available evidence is currently insufficient to determine the role of this variant in disease. Therefore, it has been classified as a Variant of Uncertain Significance. Algorithms developed to predict the effect of missense changes on protein structure and function are either unavailable or do not agree on the potential impact of this missense change (SIFT: "Deleterious"; PolyPhen-2: "Benign"; Align-GVGD: "Class C0"). This variant has not been reported in the literature in individuals affected with DSG1-related conditions. This variant is not present in population databases (gnomAD no frequency). This sequence change replaces isoleucine, which is neutral and non-polar, with leucine, which is neutral and non-polar, at codon 310 of the DSG1 protein (p.Ile310Leu).

NM_001942.4(DSG1):c.928A>C (p.Ile310Leu)

Gene: DSG1 (desmoglein 1; plus strand). Cytogenetic location: 18q12.1.
Variant type: single nucleotide variant.
Coding change: c.928A>C on transcript NM_001942.4 (MANE Select); coding-DNA position 928, A replaced by C.
Protein change: p.Ile310Leu; replaces isoleucine 310 with leucine.
Molecular consequence: missense variant.
Genome position (GRCh38, 1-based): chr18:31,334,125, A>C. VCF-style: chr18-31334125-A-C. GRCh37 (hg19) VCF-style: chr18-28914088-A-C.
Other names: short protein forms I310L.
Identifiers: ClinVar variation 2126002 (VCV002126002.4), dbSNP rs1183135219, ClinGen allele CA402131157.
Genomic context (GRCh38, chr18:31,334,125, plus strand): 5'-ATTAGAGTAATTGATTTGGATGAAGAGTTCTCAGCTAACTGGATGGCAGTAATTTTCTTT[A>C]TCTCTGGAAATGAAGGAAATTGGTTTGAGATAGAAATGAATGAAAGAACAAATGTGGGAA-3'
Protein context (NP_001933.2, residues 300-320): SANWMAVIFF[Ile310Leu]SGNEGNWFEI